The following is an entry in ClinVar:

NM_000260.4(MYO7A):c.4441+3A>C

Gene: MYO7A (myosin VIIA; plus strand). Cytogenetic location: 11q13.5.
Variant type: single nucleotide variant.
Coding change: c.4441+3A>C on transcript NM_000260.4 (MANE Select); 3 bases into the intron after coding-DNA position 4441, A replaced by C.
Molecular consequence: intron variant.
Genome position (GRCh38, 1-based): chr11:77,197,601, A>C. VCF-style: chr11-77197601-A-C. GRCh37 (hg19) VCF-style: chr11-76908646-A-C.
Other names: c.4408+3A>C (NM_001369365.1); c.4441+3A>C (NM_001127180.2).
Identifiers: ClinVar variation 1467123 (VCV001467123.6), dbSNP rs774052093, ClinGen allele CA6198440.
Genomic context (GRCh38, chr11:77,197,601, plus strand): 5'-GCCCGCTTCAAGTGGCCCTTGCTCTTCTCCAGGTTTTATGAAGCCTACAAATTCTCAGGT[A>C]CCCCGCAGCCTGCAATGCTCCCAGTCCCTTGCTCTGTAGCTCCAGCCCACAGCCTACAAA-3'

ClinVar aggregate classification (germline): Uncertain significance (1 of 4 stars; one submission).

Submission:

Labcorp Genetics (formerly Invitae), Labcorp
Classification: Uncertain significance. Last evaluated: 2022-08-23. Review status: criteria provided, single submitter. Criteria: Invitae Variant Classification Sherloc (09022015). Collection method: clinical testing. Allele origin: germline.
Comment: In summary, the available evidence is currently insufficient to determine the role of this variant in disease. Therefore, it has been classified as a Variant of Uncertain Significance. Variants that disrupt the consensus splice site are a relatively common cause of aberrant splicing (PMID: 17576681, 9536098). Algorithms developed to predict the effect of sequence changes on RNA splicing suggest that this variant may disrupt the consensus splice site. ClinVar contains an entry for this variant (Variation ID: 1467123). This variant has not been reported in the literature in individuals affected with MYO7A-related conditions. This variant is not present in population databases (gnomAD no frequency). This sequence change falls in intron 33 of the MYO7A gene. It does not directly change the encoded amino acid sequence of the MYO7A protein. It affects a nucleotide within the consensus splice site.

Literature cited by the submitters: PubMed 17576681; PubMed 9536098.